The following is an entry in ClinVar:

ClinVar aggregate classification (germline): Uncertain significance (1 of 4 stars; one submission).

Allele frequency attached by ClinVar (database versions not stated): gnomAD exomes below 0.00001; ExAC 0.00001.
gnomAD v4.1: 1 of 1,614,172 alleles (0.000062%); highest among the groups gnomAD compares: Non-Finnish European, 0.000085%; no homozygotes.

Submission:

Ambry Genetics
Classification: Uncertain significance. Last evaluated: 2022-03-30. Review status: criteria provided, single submitter. Criteria: Ambry Variant Classification Scheme 2023. Collection method: clinical testing. Allele origin: germline.
Comment: The p.N2153H variant (also known as c.6457A>C), located in coding exon 12 of the ALPK2 gene, results from an A to C substitution at nucleotide position 6457. The asparagine at codon 2153 is replaced by histidine, an amino acid with similar properties. This amino acid position is conserved. In addition, this alteration is predicted to be tolerated by in silico analysis. Since supporting evidence is limited at this time, the clinical significance of this alteration remains unclear.

NM_052947.4(ALPK2):c.6457A>C (p.Asn2153His)

Gene: ALPK2 (alpha kinase 2; minus strand). Cytogenetic location: 18q21.31.
Variant type: single nucleotide variant.
Coding change: c.6457A>C on transcript NM_052947.4 (MANE Select); coding-DNA position 6457, A replaced by C.
Protein change: p.Asn2153His; replaces asparagine 2153 with histidine.
Molecular consequence: missense variant.
Genome position (GRCh38, 1-based): chr18:58,481,879, T>G on the plus strand (A>C on the coding strand, the complement: ALPK2 is on the minus strand). VCF-style: chr18-58481879-T-G. GRCh37 (hg19) VCF-style: chr18-56149111-T-G.
Other names: short protein forms N2153H.
Identifiers: ClinVar variation 1753626 (VCV001753626.2), dbSNP rs751594533, ClinGen allele CA8976150.